The following is an entry in ClinVar:

NM_000500.9(CYP21A2):c.929A>C (p.His310Pro)

Genes: CYP21A2 (cytochrome P450 family 21 subfamily A member 2; plus strand), LOC106780800 (CYP21A2 recombination region; plus strand). Cytogenetic location: 6p21.33.
Variant type: single nucleotide variant.
Coding change: c.929A>C on transcript NM_000500.9 (MANE Select); coding-DNA position 929, A replaced by C.
Protein change: p.His310Pro; replaces histidine 310 with proline.
Molecular consequence: missense variant.
Genome position (GRCh38, 1-based): chr6:32,040,195, A>C. VCF-style: chr6-32040195-A-C. GRCh37 (hg19) VCF-style: chr6-32007972-A-C.
Other names: c.839A>C, p.His280Pro (NM_001128590.4); c.524A>C, p.His175Pro (NM_001368143.2, NM_001368144.2); short protein forms H175P, H280P, H310P.
Identifiers: ClinVar variation 5042616 (VCV005042616.1), dbSNP rs1469682163.

ClinVar aggregate classification (germline): Uncertain significance (1 of 4 stars; one submission).

Conditions:
21-Hydroxylase-Deficient Congenital Adrenal Hyperplasia. Also called: ADRENAL HYPERPLASIA III; ADRENAL HYPERPLASIA, CONGENITAL, DUE TO 21-HYDROXYLASE DEFICIENCY. Identifiers: MedGen C2936858, OMIM 201910.

Submission:

Hema, HEMA – Genetic and Molecular Diagnostic Laboratory
Classification: Uncertain significance for 21-Hydroxylase-Deficient Congenital Adrenal Hyperplasia. Last evaluated: 2026-09-07. Review status: criteria provided, single submitter. Criteria: HEMA Variant Classification Assertion Criteria. Collection method: clinical testing. Allele origin: germline.
Comment: The c.929A>C p.(His310Pro) variant is a transversion from adenine to cytosine resulting in the substitution of histidine 310 with proline. PM2_Supporting: Absent in gnomAD.